The following is an entry in ClinVar:

ClinVar aggregate classification (germline): Uncertain significance. Review status: criteria provided, multiple submitters, no conflicts (2 of 4 stars). 3 submissions from 3 submitters: Uncertain significance (3). Last evaluated 2023-12-27.

Conditions:
Developmental and epileptic encephalopathy. Identifiers: MedGen C5779964, MONDO:0100620.
Inborn genetic diseases. Identifiers: MedGen C0950123, MeSH D030342.

Allele frequency attached by ClinVar (database versions not stated): TOPMed 0.00003; ExAC 0.00004; gnomAD exomes 0.00003.
gnomAD v4.1: 113 of 1,613,974 alleles (0.007%); highest among the groups gnomAD compares: Non-Finnish European, 0.0092%; no homozygotes.

Submissions (3):

Ambry Genetics
Classification: Uncertain significance for Inborn genetic diseases. Last evaluated: 2023-12-27. Review status: criteria provided, single submitter. Criteria: Ambry Variant Classification Scheme 2023. Collection method: clinical testing. Allele origin: germline.

Labcorp Genetics (formerly Invitae), Labcorp
Classification: Uncertain significance for Early-infantile DEE. Last evaluated: 2021-12-23. Review status: criteria provided, single submitter. Criteria: Invitae Variant Classification Sherloc (09022015). Collection method: clinical testing. Allele origin: germline.
Comment: This sequence change replaces arginine, which is basic and polar, with glutamine, which is neutral and polar, at codon 59 of the ST3GAL3 protein (p.Arg59Gln). This variant is present in population databases (rs764808181, gnomAD 0.007%). This variant has not been reported in the literature in individuals affected with ST3GAL3-related conditions. ClinVar contains an entry for this variant (Variation ID: 943802). Algorithms developed to predict the effect of missense changes on protein structure and function are either unavailable or do not agree on the potential impact of this missense change (SIFT: "Deleterious"; PolyPhen-2: "Benign"; Align-GVGD: "Class C0"). In summary, the available evidence is currently insufficient to determine the role of this variant in disease. Therefore, it has been classified as a Variant of Uncertain Significance.

Revvity Omics, Revvity
Classification: Uncertain significance. Last evaluated: 2021-06-29. Review status: criteria provided, single submitter. Criteria: ACMG Guidelines, 2015. Collection method: clinical testing. Allele origin: germline.

NM_006279.5(ST3GAL3):c.176G>A (p.Arg59Gln)

Gene: ST3GAL3 (ST3 beta-galactoside alpha-2,3-sialyltransferase 3; plus strand). Cytogenetic location: 1p34.1.
Variant type: single nucleotide variant.
Coding change: c.176G>A on transcript NM_006279.5 (MANE Select); coding-DNA position 176, G replaced by A.
Protein change: p.Arg59Gln; replaces arginine 59 with glutamine.
Molecular consequence: missense variant. On other transcripts: 5 prime UTR variant (1), non-coding transcript variant (6).
Genome position (GRCh38, 1-based): chr1:43,814,900, G>A. VCF-style: chr1-43814900-G-A. GRCh37 (hg19) VCF-style: chr1-44280572-G-A.
Other names: c.176G>A, p.Arg59Gln (NM_001270459.2, NM_001270460.2, NM_001350620.2 and 4 more transcripts); c.128G>A, p.Arg43Gln (NM_001270461.3, NM_001270462.3, NM_001270464.3 and 4 more transcripts); c.173G>A, p.Arg58Gln (NM_001270463.3, NM_001270465.3); c.221G>A, p.Arg74Gln (NM_001350619.2, NM_174963.5, NM_174964.4 and 1 more transcripts); c.-278G>A (NM_001350621.2); c.176G>A (NM_006279.2); short protein forms R43Q, R58Q, R59Q, R74Q.
Identifiers: ClinVar variation 943802 (VCV000943802.9), dbSNP rs764808181, ClinGen allele CA814532.